The following is an entry in ClinVar:

NM_032634.4(PIGO):c.2268G>A (p.Ala756=)

Gene: PIGO (phosphatidylinositol glycan anchor biosynthesis class O; minus strand). Cytogenetic location: 9p13.3.
Variant type: single nucleotide variant.
Coding change: c.2268G>A on transcript NM_032634.4 (MANE Select); coding-DNA position 2268, G replaced by A.
Protein change: p.Ala756=; no amino-acid change (alanine 756 retained).
Molecular consequence: synonymous variant. On other transcripts: intron variant (2).
Genome position (GRCh38, 1-based): chr9:35,091,619, C>T on the plus strand (G>A on the coding strand, the complement: PIGO is on the minus strand). VCF-style: chr9-35091619-C-T. GRCh37 (hg19) VCF-style: chr9-35091616-C-T.
Other names: c.1345-328G>A (NM_152850.4, NM_001201484.2).
Identifiers: ClinVar variation 198602 (VCV000198602.51), dbSNP rs149171782, ClinGen allele CA247351.
Genomic context (GRCh38, chr9:35,091,619, plus strand): 5'-GGTCCTTGGAGCGCCTGCCCCAGCCTTCACCAGCACTGTCACAGGCTTCCAGAGCAGCAG[C>T]GCGAGCCCTGAAGCAGCCAGCCCTGCTACAGCCCGAGGCAGCACCATGGATGCCCCAGAG-3'
Protein context (NP_116023.2, residues 746-766): AVAGLAASGL[Ala756=]LLLWKPVTVL

ClinVar aggregate classification (germline): Conflicting classifications of pathogenicity. Review status: criteria provided, conflicting classifications (1 of 4 stars). 8 submissions from 8 submitters: Uncertain significance (1); Benign (2); Likely benign (5). Last evaluated 2026-09-01.

Conditions:
Hyperphosphatasia with impaired intellectual development syndrome 2. Also called: GLYCOSYLPHOSPHATIDYLINOSITOL BIOSYNTHESIS DEFECT 6; Hyperphosphatasia with intellectual disability syndrome 2. Identifiers: Orphanet 247262, MedGen C3553637, MONDO:0013882, OMIM 614749.

Allele frequency attached by ClinVar (database versions not stated): 1000 Genomes Project 30x 0.00047; 1000 Genomes Project 0.00060; ExAC 0.00216; gnomAD exomes 0.00234 and 0.00478; TOPMed 0.00296; gnomAD 0.00302 and 0.00310; ESP Exome Variant Server 0.00424.
gnomAD v4.1: 7,431 of 1,613,526 alleles (0.46%); highest among the groups gnomAD compares: Non-Finnish European, 0.58%; 26 homozygotes.

Submissions (8):

CeGaT Center for Human Genetics Tuebingen
Classification: Likely benign. Last evaluated: 2026-09-01. Review status: criteria provided, single submitter. Criteria: CeGaT Center For Human Genetics Tuebingen Variant Classification Criteria Version 2. Collection method: clinical testing. Allele origin: germline. Affected: yes. Observed: 14 variant alleles.
Comment: PIGO: BP4, BS2

Labcorp Genetics (formerly Invitae), Labcorp
Classification: Benign for Hyperphosphatasia with impaired intellectual development syndrome 2. Last evaluated: 2026-02-03. Review status: criteria provided, single submitter. Criteria: Invitae Variant Classification Sherloc (09022015). Collection method: clinical testing. Allele origin: germline.

ARUP Laboratories, Molecular Genetics and Genomics, ARUP Laboratories
Classification: Benign for Hyperphosphatasia with impaired intellectual development syndrome 2. Last evaluated: 2025-02-20. Review status: criteria provided, single submitter. Criteria: ARUP Molecular Germline Variant Investigation Process 2024. Collection method: clinical testing. Allele origin: germline.

Blueprint Genetics
Classification: Likely benign. Last evaluated: 2024-11-25. Review status: criteria provided, single submitter. Criteria: ACMG Guidelines, 2015. Collection method: clinical testing. Allele origin: germline.

GeneDx
Classification: Likely benign. Last evaluated: 2021-06-23. Review status: criteria provided, single submitter. Criteria: GeneDx Variant Classification Process June 2021. Collection method: clinical testing. Allele origin: germline. Affected: yes.

Athena Diagnostics
Classification: Likely benign. Last evaluated: 2018-07-26. Review status: criteria provided, single submitter. Criteria: Athena Diagnostics Criteria. Collection method: clinical testing. Allele origin: germline.

Eurofins Ntd Llc (ga)
Classification: Uncertain significance. Last evaluated: 2018-02-15. Review status: criteria provided, single submitter. Criteria: EGL ClinVar v180209 classification definitions. Collection method: clinical testing. Allele origin: germline. Observed: 2 variant alleles, 2 heterozygotes.

Illumina Laboratory Services, Illumina
Classification: Likely benign for Hyperphosphatasia with impaired intellectual development syndrome 2. Last evaluated: 2018-01-13. Review status: criteria provided, single submitter. Criteria: ICSL Variant Classification Criteria 13 December 2019. Collection method: clinical testing. Allele origin: germline.
Comment: This variant was observed in the ICSL laboratory as part of a predisposition screen in an ostensibly healthy population. It had not been previously curated by ICSL or reported in the Human Gene Mutation Database (HGMD: prior to June 1st, 2018), and was therefore a candidate for classification through an automated scoring system. Utilizing variant allele frequency, disease prevalence and penetrance estimates, and inheritance mode, an automated score was calculated to assess if this variant is too frequent to cause the disease. Based on the score and internal cut-off values, a variant classified as likely benign is not then subjected to further curation. The score for this variant resulted in a classification of likely benign for this disease.